The following is an entry in ClinVar:

ClinVar aggregate classification (germline): Conflicting classifications of pathogenicity. Review status: criteria provided, conflicting classifications (1 of 4 stars). 3 submissions from 3 submitters: Uncertain significance (2); Likely benign (1). Last evaluated 2025-07-15.

Conditions:
Inborn genetic diseases. Identifiers: MedGen C0950123, MeSH D030342.

gnomAD v4.1: 78 of 1,573,974 alleles (0.005%); highest among the groups gnomAD compares: African/African-American, 0.043%; no homozygotes.

Submissions (3):

Labcorp Genetics (formerly Invitae), Labcorp
Classification: Likely benign. Last evaluated: 2025-07-15. Review status: criteria provided, single submitter. Criteria: Invitae Variant Classification Sherloc (09022015). Collection method: clinical testing. Allele origin: germline.

Ambry Genetics
Classification: Uncertain significance for Inborn genetic diseases. Last evaluated: 2024-08-07. Review status: criteria provided, single submitter. Criteria: Ambry Variant Classification Scheme 2023. Collection method: clinical testing. Allele origin: germline.

GeneDx
Classification: Uncertain significance. Last evaluated: 2023-11-22. Review status: criteria provided, single submitter. Criteria: GeneDx Variant Classification Process June 2021. Collection method: clinical testing. Allele origin: germline. Affected: yes.
Comment: In silico analysis supports that this missense variant does not alter protein structure/function; Has not been previously published as pathogenic or benign to our knowledge

NM_016111.4(TELO2):c.785G>A (p.Arg262Gln)

Gene: TELO2 (telomere maintenance 2; plus strand). Cytogenetic location: 16p13.3.
Variant type: single nucleotide variant.
Coding change: c.785G>A on transcript NM_016111.4 (MANE Select); coding-DNA position 785, G replaced by A.
Protein change: p.Arg262Gln; replaces arginine 262 with glutamine.
Molecular consequence: missense variant.
Genome position (GRCh38, 1-based): chr16:1,497,463, G>A. VCF-style: chr16-1497463-G-A. GRCh37 (hg19) VCF-style: chr16-1547464-G-A.
Other names: c.785G>A, p.Arg262Gln (NM_001351846.2); short protein forms R262Q.
Identifiers: ClinVar variation 3364652 (VCV003364652.3).
Genomic context (GRCh38, chr16:1,497,463, plus strand): 5'-CCCAGGGCAGCTACCTGCACCAGCGCGTCTGCTGGCGCCTGGTGGAGCAAGTGCCGGACC[G>A]GGCCATGGAGGCTGTGCTGACCGGGCTGGTGGAGGCCGCACTGGGGTAAGCAGCCAGGCT-3'
Protein context (NP_057195.2, residues 252-272): CWRLVEQVPD[Arg262Gln]AMEAVLTGLV